The following is an entry in ClinVar:

ClinVar aggregate classification (germline): Uncertain significance (1 of 4 stars; one submission).

Conditions:
Psoriasis 2. Identifiers: MedGen C1864497, MONDO:0011269, OMIM 602723.
Pityriasis rubra pilaris (PRP). Also called: Pityriasis rubra pilaris--familial type. Identifiers: Orphanet 2897, MedGen C0032027, MONDO:0100017, OMIM 173200, MONDO:0008251.

Allele frequency attached by ClinVar (database versions not stated): ExAC 0.00001.
gnomAD v4.1: 1 of 1,613,720 alleles (0.000062%); highest among the groups gnomAD compares: African/African-American, 0.0013%; no homozygotes.

Submission:

Labcorp Genetics (formerly Invitae), Labcorp
Classification: Uncertain significance for Pityriasis rubra pilaris; Psoriasis 2. Last evaluated: 2024-05-06. Review status: criteria provided, single submitter. Criteria: Invitae Variant Classification Sherloc (09022015). Collection method: clinical testing. Allele origin: germline.
Comment: This sequence change replaces threonine, which is neutral and polar, with isoleucine, which is neutral and non-polar, at codon 706 of the CARD14 protein (p.Thr706Ile). This variant is present in population databases (rs778284973, gnomAD 0.007%). This variant has not been reported in the literature in individuals affected with CARD14-related conditions. Advanced modeling of protein sequence and biophysical properties (such as structural, functional, and spatial information, amino acid conservation, physicochemical variation, residue mobility, and thermodynamic stability) performed at Invitae indicates that this missense variant is expected to disrupt CARD14 protein function with a positive predictive value of 80%. In summary, the available evidence is currently insufficient to determine the role of this variant in disease. Therefore, it has been classified as a Variant of Uncertain Significance.

NM_001366385.1(CARD14):c.2117C>T (p.Thr706Ile)

Genes: SGSH (N-sulfoglucosamine sulfohydrolase; minus strand), CARD14 (caspase recruitment domain family member 14; plus strand). Cytogenetic location: 17q25.3.
Variant type: single nucleotide variant.
Coding change: c.2117C>T on transcript NM_001366385.1 (MANE Select); coding-DNA position 2117, C replaced by T.
Protein change: p.Thr706Ile; replaces threonine 706 with isoleucine.
Molecular consequence: missense variant. On other transcripts: non-coding transcript variant (1).
Genome position (GRCh38, 1-based): chr17:80,202,318, C>T. VCF-style: chr17-80202318-C-T. GRCh37 (hg19) VCF-style: chr17-78176117-C-T.
Other names: c.2117C>T, p.Thr706Ile (NM_001257970.1, NM_024110.4); short protein forms T706I.
Identifiers: ClinVar variation 2938310 (VCV002938310.3), dbSNP rs778284973, ClinGen allele CA8817184.
Genomic context (GRCh38, chr17:80,202,318, plus strand): 5'-CCATGGAGGGCAGGGCCAAAGGGGAGCTGCAGGTGCATTGCAACGAGGTCCTGCACGTCA[C>T]CGACACCATGTTCCAGGGCTGCGGCTGCTGGCATGCCCACCGCGTGAACTCTTACACCAT-3'
Protein context (NP_001353314.1, residues 696-716): QVHCNEVLHV[Thr706Ile]DTMFQGCGCW